The following is an entry in ClinVar:

NM_020699.4(GATAD2B):c.712A>C (p.Asn238His)

Gene: GATAD2B (GATA zinc finger domain containing 2B; minus strand). Cytogenetic location: 1q21.3.
Variant type: single nucleotide variant.
Coding change: c.712A>C on transcript NM_020699.4 (MANE Select); coding-DNA position 712, A replaced by C.
Protein change: p.Asn238His; replaces asparagine 238 with histidine.
Molecular consequence: missense variant.
Genome position (GRCh38, 1-based): chr1:153,818,057, T>G on the plus strand (A>C on the coding strand, the complement: GATAD2B is on the minus strand). VCF-style: chr1-153818057-T-G. GRCh37 (hg19) VCF-style: chr1-153790533-T-G.
Other names: short protein forms N238H.
Identifiers: ClinVar variation 2106973 (VCV002106973.4), dbSNP rs2525256328, ClinGen allele CA342531515.

ClinVar aggregate classification (germline): Uncertain significance (1 of 4 stars; one submission).

Allele frequency attached by ClinVar (database versions not stated): gnomAD exomes below 0.00001.
gnomAD v4.1: 5 of 1,609,678 alleles (0.00031%); highest among the groups gnomAD compares: Non-Finnish European, 0.00042%; no homozygotes.

Submission:

Labcorp Genetics (formerly Invitae), Labcorp
Classification: Uncertain significance. Last evaluated: 2025-01-07. Review status: criteria provided, single submitter. Criteria: Invitae Variant Classification Sherloc (09022015). Collection method: clinical testing. Allele origin: germline.
Comment: This sequence change replaces asparagine, which is neutral and polar, with histidine, which is basic and polar, at codon 238 of the GATAD2B protein (p.Asn238His). This variant is not present in population databases (gnomAD no frequency). This variant has not been reported in the literature in individuals affected with GATAD2B-related conditions. ClinVar contains an entry for this variant (Variation ID: 2106973). Invitae Evidence Modeling of protein sequence and biophysical properties (such as structural, functional, and spatial information, amino acid conservation, physicochemical variation, residue mobility, and thermodynamic stability) indicates that this missense variant is not expected to disrupt GATAD2B protein function with a negative predictive value of 80%. In summary, the available evidence is currently insufficient to determine the role of this variant in disease. Therefore, it has been classified as a Variant of Uncertain Significance.